The following is an entry in ClinVar:

NM_001374623.1(PNPLA1):c.302G>C (p.Arg101Thr)

Gene: PNPLA1 (patatin like domain 1, omega-hydroxyceramide transacylase; plus strand). Cytogenetic location: 6p21.31.
Variant type: single nucleotide variant.
Coding change: c.302G>C on transcript NM_001374623.1 (MANE Select); coding-DNA position 302, G replaced by C.
Protein change: p.Arg101Thr; replaces arginine 101 with threonine.
Molecular consequence: missense variant.
Genome position (GRCh38, 1-based): chr6:36,291,416, G>C. VCF-style: chr6-36291416-G-C. GRCh37 (hg19) VCF-style: chr6-36259193-G-C.
Other names: c.17G>C, p.Arg6Thr (NM_001145716.2, NM_173676.2); c.302G>C, p.Arg101Thr (NM_001145717.1); short protein forms R101T, R6T.
Identifiers: ClinVar variation 2867287 (VCV002867287.3), dbSNP rs1243094576, ClinGen allele CA363811221.
Genomic context (GRCh38, chr6:36,291,416, plus strand): 5'-AGGTGAAGAAATCCTTCCTGGGGCCCTTGTCCCCGTCCTGTAAGATGGTGCAGATGATGA[G>C]GCAGTTTCTGTACCGGGTCCTGCCCGAGGACTCCTACAAGGTCACCACGGGGAAGCTCCA-3'
Protein context (NP_001361552.1, residues 91-111): SPSCKMVQMM[Arg101Thr]QFLYRVLPED

ClinVar aggregate classification (germline): Uncertain significance (1 of 4 stars; one submission).

Allele frequency attached by ClinVar (database versions not stated): gnomAD 0.00001; TOPMed 0.00001.

Submission:

Labcorp Genetics (formerly Invitae), Labcorp
Classification: Uncertain significance. Last evaluated: 2023-08-08. Review status: criteria provided, single submitter. Criteria: Invitae Variant Classification Sherloc (09022015). Collection method: clinical testing. Allele origin: germline.
Comment: This variant has not been reported in the literature in individuals affected with PNPLA1-related conditions. This variant is not present in population databases (gnomAD no frequency). This sequence change replaces arginine, which is basic and polar, with threonine, which is neutral and polar, at codon 101 of the PNPLA1 protein (p.Arg101Thr). In summary, the available evidence is currently insufficient to determine the role of this variant in disease. Therefore, it has been classified as a Variant of Uncertain Significance. This variant disrupts the p.Arg101 amino acid residue in PNPLA1. Other variant(s) that disrupt this residue have been determined to be pathogenic (PMID: 28093717, 31168818). This suggests that this residue is clinically significant, and that variants that disrupt this residue are likely to be disease-causing. An algorithm developed to predict the effect of missense changes on protein structure and function (PolyPhen-2) suggests that this variant is likely to be disruptive.

Literature cited by the submitters: PubMed 28093717; PubMed 31168818.